The following is an entry in ClinVar:

ClinVar aggregate classification (germline): Uncertain significance (1 of 4 stars; one submission).

Submission:

Ambry Genetics
Classification: Uncertain significance. Last evaluated: 2021-08-28. Review status: criteria provided, single submitter. Criteria: Ambry Variant Classification Scheme 2023. Collection method: clinical testing. Allele origin: germline.
Comment: The p.N434I variant (also known as c.1301A>T), located in coding exon 1 of the MLH3 gene, results from an A to T substitution at nucleotide position 1301. The asparagine at codon 434 is replaced by isoleucine, an amino acid with dissimilar properties. This amino acid position is conserved. In addition, this alteration is predicted to be tolerated by in silico analysis. Since supporting evidence is limited at this time, the clinical significance of this alteration remains unclear.

NM_001040108.2(MLH3):c.1301A>T (p.Asn434Ile)

Gene: MLH3 (mutL homolog 3; minus strand). Cytogenetic location: 14q24.3.
Variant type: single nucleotide variant.
Coding change: c.1301A>T on transcript NM_001040108.2 (MANE Select); coding-DNA position 1301, A replaced by T.
Protein change: p.Asn434Ile; replaces asparagine 434 with isoleucine.
Molecular consequence: missense variant.
Genome position (GRCh38, 1-based): chr14:75,048,355, T>A on the plus strand (A>T on the coding strand, the complement: MLH3 is on the minus strand). VCF-style: chr14-75048355-T-A. GRCh37 (hg19) VCF-style: chr14-75515058-T-A.
Other names: c.1301A>T, p.Asn434Ile (NM_014381.3); short protein forms N434I.
Identifiers: ClinVar variation 1769416 (VCV001769416.2), dbSNP rs2503299034, ClinGen allele CA390446557.